The following is an entry in ClinVar:

NM_133259.4(LRPPRC):c.3047A>G (p.Tyr1016Cys)

Gene: LRPPRC (leucine rich pentatricopeptide repeat containing; minus strand). Cytogenetic location: 2p21.
Variant type: single nucleotide variant.
Coding change: c.3047A>G on transcript NM_133259.4 (MANE Select); coding-DNA position 3047, A replaced by G.
Protein change: p.Tyr1016Cys; replaces tyrosine 1016 with cysteine.
Molecular consequence: missense variant.
Genome position (GRCh38, 1-based): chr2:43,918,126, T>C on the plus strand (A>G on the coding strand, the complement: LRPPRC is on the minus strand). VCF-style: chr2-43918126-T-C. GRCh37 (hg19) VCF-style: chr2-44145265-T-C.
Other names: short protein forms Y1016C.
Identifiers: ClinVar variation 2202175 (VCV002202175.1), dbSNP rs758090531, ClinGen allele CA46441799.

ClinVar aggregate classification (germline): Uncertain significance (1 of 4 stars; one submission).

gnomAD v4.1: 2 of 1,613,214 alleles (0.00012%); highest among the groups gnomAD compares: South Asian, 0.0022%; no homozygotes.

Submission:

Labcorp Genetics (formerly Invitae), Labcorp
Classification: Uncertain significance. Last evaluated: 2022-08-15. Review status: criteria provided, single submitter. Criteria: Invitae Variant Classification Sherloc (09022015). Collection method: clinical testing. Allele origin: germline.
Comment: This sequence change replaces tyrosine, which is neutral and polar, with cysteine, which is neutral and slightly polar, at codon 1016 of the LRPPRC protein (p.Tyr1016Cys). This variant is present in population databases (no rsID available, gnomAD 0.003%). This variant has not been reported in the literature in individuals affected with LRPPRC-related conditions. Algorithms developed to predict the effect of missense changes on protein structure and function are either unavailable or do not agree on the potential impact of this missense change (SIFT: "Deleterious"; PolyPhen-2: "Benign"; Align-GVGD: "Class C0"). In summary, the available evidence is currently insufficient to determine the role of this variant in disease. Therefore, it has been classified as a Variant of Uncertain Significance.